The following is an entry in ClinVar:

ClinVar aggregate classification (germline): Uncertain significance (1 of 4 stars; one submission).

Conditions:
TCF4-related disorder. Also called: TCF4-related condition.

gnomAD v4.1: 2 of 1,565,092 alleles (0.00013%); highest among the groups gnomAD compares: Non-Finnish European, 0.00017%; no homozygotes.

Submission:

PreventionGenetics, part of Exact Sciences
Classification: Uncertain significance for TCF4-related condition. Last evaluated: 2025-08-14. Review status: criteria provided, single submitter. Criteria: ACMG Guidelines, 2015. Collection method: clinical testing. Allele origin: germline.
Comment: The TCF4 c.54C>A variant is predicted to result in the amino acid substitution p.Phe18Leu. In an alternate transcript (NM_001083962.1), this variant is found in a pre-coding region (c.-47827C>A). To our knowledge, this variant has not been reported in the literature. This variant is reported in one allele in East Asian descent in gnomAD. At this time, the clinical significance of this variant is uncertain due to the absence of conclusive functional and genetic evidence.

NM_001243226.3(TCF4):c.54C>A (p.Phe18Leu)

Gene: TCF4 (transcription factor 4; minus strand). Cytogenetic location: 18q21.2.
Variant type: single nucleotide variant.
Coding change: c.54C>A on transcript NM_001243226.3; coding-DNA position 54, C replaced by A.
Protein change: p.Phe18Leu; replaces phenylalanine 18 with leucine.
Molecular consequence: missense variant.
Genome position (GRCh38, 1-based): chr18:55,635,844, G>T on the plus strand (C>A on the coding strand, the complement: TCF4 is on the minus strand). VCF-style: chr18-55635844-G-T. GRCh37 (hg19) VCF-style: chr18-53303075-G-T.
Other names: short protein forms F18L.
Identifiers: ClinVar variation 4978423 (VCV004978423.1).